The following is an entry in ClinVar:

ClinVar aggregate classification (germline): Uncertain significance. Review status: criteria provided, multiple submitters, no conflicts (2 of 4 stars). 3 submissions from 3 submitters: Uncertain significance (3). Last evaluated 2023-12-22.

Conditions:
Developmental and epileptic encephalopathy, 23 (DEE23). Also called: Epileptic encephalopathy, early infantile, 23. Identifiers: Orphanet 411986, MedGen C4014492, MONDO:0014371, OMIM 615859.
Inborn genetic diseases. Identifiers: MedGen C0950123, MeSH D030342.

Allele frequency attached by ClinVar (database versions not stated): gnomAD exomes 0.00001 and 0.00002; ExAC 0.00002; gnomAD 0.00005 and 0.00006; TOPMed 0.00012.
gnomAD v4.1: 26 of 1,607,250 alleles (0.0016%); highest among the groups gnomAD compares: African/African-American, 0.015%; no homozygotes.

Submissions (3):

Ambry Genetics
Classification: Uncertain significance for Inborn genetic diseases. Last evaluated: 2023-12-22. Review status: criteria provided, single submitter. Criteria: Ambry Variant Classification Scheme 2023. Collection method: clinical testing. Allele origin: germline.

Labcorp Genetics (formerly Invitae), Labcorp
Classification: Uncertain significance for Developmental and epileptic encephalopathy, 23. Last evaluated: 2022-09-01. Review status: criteria provided, single submitter. Criteria: Invitae Variant Classification Sherloc (09022015). Collection method: clinical testing. Allele origin: germline.
Comment: This sequence change replaces valine, which is neutral and non-polar, with isoleucine, which is neutral and non-polar, at codon 1485 of the DOCK7 protein (p.Val1485Ile). This variant is present in population databases (rs746518826, gnomAD 0.008%). This variant has not been reported in the literature in individuals affected with DOCK7-related conditions. ClinVar contains an entry for this variant (Variation ID: 573337). Algorithms developed to predict the effect of missense changes on protein structure and function (SIFT, PolyPhen-2, Align-GVGD) all suggest that this variant is likely to be tolerated. In summary, the available evidence is currently insufficient to determine the role of this variant in disease. Therefore, it has been classified as a Variant of Uncertain Significance.

Mayo Clinic Laboratories, Mayo Clinic
Classification: Uncertain significance. Last evaluated: 2022-02-03. Review status: criteria provided, single submitter. Criteria: ACMG Guidelines, 2015. Collection method: clinical testing. Allele origin: germline. Observed: 1 variant allele.
Comment: BP4, PM2

NM_001367561.1(DOCK7):c.4480G>A (p.Val1494Ile)

Gene: DOCK7 (dedicator of cytokinesis 7; minus strand). Cytogenetic location: 1p31.3.
Variant type: single nucleotide variant.
Coding change: c.4480G>A on transcript NM_001367561.1 (MANE Select); coding-DNA position 4480, G replaced by A.
Protein change: p.Val1494Ile; replaces valine 1494 with isoleucine.
Molecular consequence: missense variant.
Genome position (GRCh38, 1-based): chr1:62,505,813, C>T on the plus strand (G>A on the coding strand, the complement: DOCK7 is on the minus strand). VCF-style: chr1-62505813-C-T. GRCh37 (hg19) VCF-style: chr1-62971484-C-T.
Other names: p.Val1485Ile; c.4453G>A, p.Val1485Ile (NM_001271999.2, NM_001330614.2); c.4360G>A, p.Val1454Ile (NM_001272000.2, NM_001272001.2); c.4387G>A, p.Val1463Ile (NM_033407.4); c.4387G>A (NM_033407.2); short protein forms V1485I, V1463I, V1494I, V1454I.
Identifiers: ClinVar variation 573337 (VCV000573337.10), dbSNP rs746518826, ClinGen allele CA885683.